The following is an entry in ClinVar:

ClinVar aggregate classification (germline): Benign (1 of 4 stars; one submission).

Allele frequency attached by ClinVar (database versions not stated): TOPMed 0.00071; gnomAD 0.00087; gnomAD exomes 0.00094.
gnomAD v4.1: 377 of 398,424 alleles (0.095%); highest among the groups gnomAD compares: Middle Eastern, 0.19%; 1 homozygote.

Submission:

CeGaT Center for Human Genetics Tuebingen
Classification: Benign. Last evaluated: 2026-09-01. Review status: criteria provided, single submitter. Criteria: CeGaT Center For Human Genetics Tuebingen Variant Classification Criteria Version 2. Collection method: clinical testing. Allele origin: germline. Affected: yes. Observed: 24 variant alleles.
Comment: KCNQ1OT1: BS1, BS2

NM_000218.3(KCNQ1):c.1394-1392C>T

Genes: KCNQ1 (potassium voltage-gated channel subfamily Q member 1; plus strand), KCNQ1OT1 (KCNQ1 opposite strand/antisense transcript 1; minus strand). Cytogenetic location: 11p15.5.
Variant type: single nucleotide variant.
Coding change: c.1394-1392C>T on transcript NM_000218.3 (MANE Select); 1392 bases into the intron before coding-DNA position 1394, C replaced by T.
Molecular consequence: intron variant.
Genome position (GRCh38, 1-based): chr11:2,660,569, C>T. VCF-style: chr11-2660569-C-T. GRCh37 (hg19) VCF-style: chr11-2681799-C-T.
Other names: c.1124-1392C>T (NM_001406837.1); c.1298-1392C>T (NM_001406836.1); c.854-1392C>T (NM_001406838.1); c.1013-1392C>T (NM_181798.2).
Identifiers: ClinVar variation 1711299 (VCV001711299.30), dbSNP rs774065083, ClinGen allele CA216169495.